The following is an entry in ClinVar:

ClinVar aggregate classification (germline): Uncertain significance (1 of 4 stars; one submission).

Submission:

Dasa
Classification: Uncertain significance. Last evaluated: 2025-10-11. Review status: criteria provided, single submitter. Criteria: DASA Assertion Criteria. Collection method: clinical testing. Allele origin: germline.
Comment: NM_001083962.2(TCF4):c.1904C>G (p.Ala635Gly) is a missense variant that results in the substitution of alanine with glycine. This variant is rare in population databases. The currently available literature and clinical evidence are not sufficient to establish a definitive association between this variant and the reported condition. Therefore, this variant is classified as a variant of uncertain significance.

NM_001083962.2(TCF4):c.1904C>G (p.Ala635Gly)

Gene: TCF4 (transcription factor 4; minus strand). Cytogenetic location: 18q21.2.
Variant type: single nucleotide variant.
Coding change: c.1904C>G on transcript NM_001083962.2 (MANE Select); coding-DNA position 1904, C replaced by G.
Protein change: p.Ala635Gly; replaces alanine 635 with glycine.
Molecular consequence: missense variant.
Genome position (GRCh38, 1-based): chr18:55,228,337, G>C on the plus strand (C>G on the coding strand, the complement: TCF4 is on the minus strand). VCF-style: chr18-55228337-G-C. GRCh37 (hg19) VCF-style: chr18-52895568-G-C.
Other names: c.1820C>G, p.Ala607Gly (NM_001306207.1, NM_001348219.2, NM_001369582.1 and 1 more transcripts); c.1679C>G, p.Ala560Gly (NM_001306208.1); c.1901C>G, p.Ala634Gly (NM_001330604.3, NM_001369569.1, NM_001369570.1); c.1514C>G, p.Ala505Gly (NM_001330605.3, NM_001348213.2); c.1778C>G, p.Ala593Gly (NM_001348211.2); c.1502C>G, p.Ala501Gly (NM_001348212.2, NM_001243233.2); c.1409C>G, p.Ala470Gly (NM_001348214.2); c.1256C>G, p.Ala419Gly (NM_001348215.2); and 14 more; short protein forms A419G, A470G, A471G, A475G, A501G, A505G, A560G, A564G.
Identifiers: ClinVar variation 4886055 (VCV004886055.2).